The following is an entry in ClinVar:

NM_003719.5(PDE8B):c.208G>T (p.Ala70Ser)

Gene: PDE8B (phosphodiesterase 8B; plus strand). Cytogenetic location: 5q13.3.
Variant type: single nucleotide variant.
Coding change: c.208G>T on transcript NM_003719.5 (MANE Select); coding-DNA position 208, G replaced by T.
Protein change: p.Ala70Ser; replaces alanine 70 with serine.
Molecular consequence: missense variant. On other transcripts: 5 prime UTR variant (1), intron variant (15).
Genome position (GRCh38, 1-based): chr5:77,211,133, G>T. VCF-style: chr5-77211133-G-T. GRCh37 (hg19) VCF-style: chr5-76506958-G-T.
Other names: c.208G>T, p.Ala70Ser (NM_001029851.4, NM_001029852.4, NM_001029853.4 and 7 more transcripts); c.-162G>T (NM_001349753.2); c.-34+92612G>T (NM_001414622.1, NM_001414623.1); c.36+30647G>T (NM_001349750.3, NM_001376069.1, NM_001376062.1 and 7 more transcripts); c.-34+1087G>T (NM_001376067.1, NM_001376075.1); c.-31+1087G>T (NM_001376068.1); short protein forms A70S.
Identifiers: ClinVar variation 2655549 (VCV002655549.26), dbSNP rs1381871102, ClinGen allele CA360327048.

ClinVar aggregate classification (germline): Uncertain significance. Review status: criteria provided, multiple submitters, no conflicts (2 of 4 stars). 2 submissions from 2 submitters: Uncertain significance (2). Last evaluated 2024-09-27.

Allele frequency attached by ClinVar (database versions not stated): gnomAD exomes below 0.00001; gnomAD 0.00001; TOPMed 0.00001.
gnomAD v4.1: 7 of 1,522,312 alleles (0.00046%); highest among the groups gnomAD compares: Non-Finnish European, 0.00061%; no homozygotes.

Submissions (2):

Labcorp Genetics (formerly Invitae), Labcorp
Classification: Uncertain significance. Last evaluated: 2024-09-27. Review status: criteria provided, single submitter. Criteria: Invitae Variant Classification Sherloc (09022015). Collection method: clinical testing. Allele origin: germline.
Comment: This sequence change replaces alanine, which is neutral and non-polar, with serine, which is neutral and polar, at codon 70 of the PDE8B protein (p.Ala70Ser). The frequency data for this variant in the population databases is considered unreliable, as metrics indicate poor data quality at this position in the gnomAD database. This variant has not been reported in the literature in individuals affected with PDE8B-related conditions. ClinVar contains an entry for this variant (Variation ID: 2655549). An algorithm developed to predict the effect of missense changes on protein structure and function outputs the following: PolyPhen-2: "Benign". The serine amino acid residue is found in multiple mammalian species, which suggests that this missense change does not adversely affect protein function. In summary, the available evidence is currently insufficient to determine the role of this variant in disease. Therefore, it has been classified as a Variant of Uncertain Significance.

CeGaT Center for Human Genetics Tuebingen
Classification: Uncertain significance. Last evaluated: 2022-11-01. Review status: criteria provided, single submitter. Criteria: CeGaT Center For Human Genetics Tuebingen Variant Classification Criteria Version 2. Collection method: clinical testing. Allele origin: germline. Affected: yes. Observed: 1 variant allele.
Comment: PDE8B: PM2